The following is an entry in ClinVar:

NM_181078.3(IL21R):c.1178G>T (p.Ser393Ile)

Genes: IL21R (interleukin 21 receptor; plus strand), IL21R-AS1 (IL21R antisense RNA 1; minus strand). Cytogenetic location: 16p12.1.
Variant type: single nucleotide variant.
Coding change: c.1178G>T on transcript NM_181078.3 (MANE Select); coding-DNA position 1178, G replaced by T.
Protein change: p.Ser393Ile; replaces serine 393 with isoleucine.
Molecular consequence: missense variant. On other transcripts: non-coding transcript variant (1).
Genome position (GRCh38, 1-based): chr16:27,448,844, G>T. VCF-style: chr16-27448844-G-T. GRCh37 (hg19) VCF-style: chr16-27460165-G-T.
Other names: c.1178G>T, p.Ser393Ile (NM_021798.4); c.1244G>T, p.Ser415Ile (NM_181079.5); short protein forms S393I, S415I.
Identifiers: ClinVar variation 640700 (VCV000640700.8), dbSNP rs375328425, ClinGen allele CA7975164.
Genomic context (GRCh38, chr16:27,448,844, plus strand): 5'-TGGTGTCCATTGACACAGTGACTGTGCTAGATGCAGAGGGGCCATGCACCTGGCCCTGCA[G>T]CTGTGAGGATGACGGCTACCCAGCCCTGGACCTGGATGCTGGCCTGGAGCCCAGCCCAGG-3'
Protein context (NP_851564.1, residues 383-403): DAEGPCTWPC[Ser393Ile]CEDDGYPALD

ClinVar aggregate classification (germline): Uncertain significance (1 of 4 stars; one submission).

Conditions:
Cryptosporidiosis-chronic cholangitis-liver disease syndrome. Also called: IL21R immunodeficiency; Immunodeficiency type 56. Identifiers: Orphanet 357329, MedGen C3554687, MONDO:0014082, OMIM 615207.

Allele frequency attached by ClinVar (database versions not stated): TOPMed 0.00002.
gnomAD v4.1: 26 of 1,613,100 alleles (0.0016%); highest among the groups gnomAD compares: Non-Finnish European, 0.0021%; no homozygotes.

Submission:

Labcorp Genetics (formerly Invitae), Labcorp
Classification: Uncertain significance for Cryptosporidiosis-chronic cholangitis-liver disease syndrome. Last evaluated: 2022-02-08. Review status: criteria provided, single submitter. Criteria: Invitae Variant Classification Sherloc (09022015). Collection method: clinical testing. Allele origin: germline.
Comment: This sequence change replaces serine, which is neutral and polar, with isoleucine, which is neutral and non-polar, at codon 393 of the IL21R protein (p.Ser393Ile). This variant is present in population databases (rs375328425, gnomAD 0.002%). This variant has not been reported in the literature in individuals affected with IL21R-related conditions. ClinVar contains an entry for this variant (Variation ID: 640700). Algorithms developed to predict the effect of missense changes on protein structure and function are either unavailable or do not agree on the potential impact of this missense change (SIFT: "Deleterious"; PolyPhen-2: "Benign"; Align-GVGD: "Class C0"). In summary, the available evidence is currently insufficient to determine the role of this variant in disease. Therefore, it has been classified as a Variant of Uncertain Significance.